The following is an entry in ClinVar:

ClinVar aggregate classification (germline): Uncertain significance (1 of 4 stars; one submission).

Submission:

Labcorp Genetics (formerly Invitae), Labcorp
Classification: Uncertain significance. Last evaluated: 2022-09-07. Review status: criteria provided, single submitter. Criteria: Invitae Variant Classification Sherloc (09022015). Collection method: clinical testing. Allele origin: germline.
Comment: This sequence change falls in intron 12 of the DMXL2 gene. It does not directly change the encoded amino acid sequence of the DMXL2 protein. It affects a nucleotide within the consensus splice site. In summary, the available evidence is currently insufficient to determine the role of this variant in disease. Therefore, it has been classified as a Variant of Uncertain Significance. Variants that disrupt the consensus splice site are a relatively common cause of aberrant splicing (PMID: 17576681, 9536098). Algorithms developed to predict the effect of sequence changes on RNA splicing suggest that this variant is not likely to affect RNA splicing. This variant has not been reported in the literature in individuals affected with DMXL2-related conditions. This variant is not present in population databases (gnomAD no frequency).

Literature cited by the submitters: PubMed 17576681; PubMed 9536098.

NM_001378457.1(DMXL2):c.2314+4A>G

Gene: DMXL2 (Dmx like 2; minus strand). Cytogenetic location: 15q21.2.
Variant type: single nucleotide variant.
Coding change: c.2314+4A>G on transcript NM_001378457.1 (MANE Select); 4 bases into the intron after coding-DNA position 2314, A replaced by G.
Molecular consequence: intron variant.
Genome position (GRCh38, 1-based): chr15:51,536,162, T>C on the plus strand (A>G on the coding strand, the complement: DMXL2 is on the minus strand). VCF-style: chr15-51536162-T-C. GRCh37 (hg19) VCF-style: chr15-51828359-T-C.
Other names: c.2314+4A>G (NM_001378460.1, NM_001174117.3, NM_015263.5 and 6 more transcripts); c.2074+4A>G (NM_001378464.1).
Identifiers: ClinVar variation 1999357 (VCV001999357.4), dbSNP rs2548603950, ClinGen allele CA2580089780.